The following is an entry in ClinVar:

ClinVar aggregate classification (germline): Uncertain significance. Review status: criteria provided, multiple submitters, no conflicts (2 of 4 stars). 2 submissions from 2 submitters: Uncertain significance (2). Last evaluated 2025-12-24.

Conditions:
RASopathy. Also called: rasopathies; Noonan spectrum disorder. Identifiers: Orphanet 536391, MedGen C5555857, MONDO:0021060.
Cardiovascular phenotype. Identifiers: MedGen CN230736.

Submissions (2):

Labcorp Genetics (formerly Invitae), Labcorp
Classification: Uncertain significance for RASopathy. Last evaluated: 2025-12-24. Review status: criteria provided, single submitter. Criteria: Invitae Variant Classification Sherloc (09022015). Collection method: clinical testing. Allele origin: germline.
Comment: This variant, c.1109_1111del, results in the deletion of 1 amino acid(s) of the RAF1 protein (p.Gly370del), but otherwise preserves the integrity of the reading frame. This variant is not present in population databases (gnomAD no frequency). This variant has been observed in individual(s) with dilated cardiomyopathy (internal data). ClinVar contains an entry for this variant (Variation ID: 2564924). Algorithms developed to predict the effect of sequence changes on RNA splicing suggest that this variant may disrupt the consensus splice site. In summary, the available evidence is currently insufficient to determine the role of this variant in disease. Therefore, it has been classified as a Variant of Uncertain Significance.

Ambry Genetics
Classification: Uncertain significance for Cardiovascular phenotype. Last evaluated: 2023-04-10. Review status: criteria provided, single submitter. Criteria: Ambry Variant Classification Scheme 2023. Collection method: clinical testing. Allele origin: germline.
Comment: The c.1109_1111delGAG variant (also known as p.G370del) is located in coding exon 10 of the RAF1 gene. This variant results from an in-frame GAG deletion at nucleotide positions 1109 to 1111. This results in the in-frame deletion of a glycine at codon 370. This amino acid position is highly conserved in available vertebrate species. In addition, this alteration is predicted to be deleterious by in silico analysis (Choi Y et al. PLoS ONE. 2012; 7(10):e46688). Since supporting evidence is limited at this time, the clinical significance of this alteration remains unclear.

NM_002880.3(RAF1):c.1109_1111delGAG

Gene: RAF1 (Raf-1 proto-oncogene, serine/threonine kinase; minus strand). Cytogenetic location: 3p25.2.
Variant type: Deletion.
Coding change: c.1109_1111delGAG on transcript NM_002880.3; coding-DNA positions 1109 to 1111, 3 bases deleted (GAG).
Molecular consequence: non-coding transcript variant (on NR_148941.3).
Genome position (GRCh38, 1-based): chr3:12,591,790-12,591,792, CTC deleted on the plus strand (GAG on the coding strand, the reverse complement: RAF1 is on the minus strand); deleting any 3 consecutive bases within chr3:12,591,790-12,591,794 gives the same sequence; the c. name uses the placement nearest the transcript's 3' end. VCF-style (leftmost placement, unchanged base first): chr3-12591789-TCTC-T. GRCh37 (hg19) VCF-style: chr3-12633288-TCTC-T.
Identifiers: ClinVar variation 2564924 (VCV002564924.5), dbSNP rs2470237281, ClinGen allele CA645514782.